The following is an entry in ClinVar:

NM_005751.5(AKAP9):c.7365A>G (p.Ile2455Met)

Gene: AKAP9 (A-kinase anchoring protein 9; plus strand). Cytogenetic location: 7q21.2.
Variant type: single nucleotide variant.
Coding change: c.7365A>G on transcript NM_005751.5 (MANE Select); coding-DNA position 7365, A replaced by G.
Protein change: p.Ile2455Met; replaces isoleucine 2455 with methionine.
Molecular consequence: missense variant.
Genome position (GRCh38, 1-based): chr7:92,079,498, A>G. VCF-style: chr7-92079498-A-G. GRCh37 (hg19) VCF-style: chr7-91708812-A-G.
Other names: c.2010A>G, p.Ile670Met (NM_001379277.1); c.7341A>G, p.Ile2447Met (NM_147185.3); short protein forms I2447M, I2455M, I670M.
Identifiers: ClinVar variation 2955696 (VCV002955696.3), dbSNP rs1813163905, ClinGen allele CA368135572.

ClinVar aggregate classification (germline): Uncertain significance (1 of 4 stars; one submission).

Conditions:
Long QT syndrome (LQTS). Identifiers: MedGen C0023976, MeSH D008133, MONDO:0002442. Disease mechanism: loss of function. Inheritance: Various modes of inheritance.

Allele frequency attached by ClinVar (database versions not stated): gnomAD exomes below 0.00001; TOPMed below 0.00001.
gnomAD v4.1: 1 of 1,613,970 alleles (0.000062%); highest among the groups gnomAD compares: Non-Finnish European, 0.000085%; no homozygotes.

Submission:

Labcorp Genetics (formerly Invitae), Labcorp
Classification: Uncertain significance for Long QT syndrome. Last evaluated: 2024-04-18. Review status: criteria provided, single submitter. Criteria: Invitae Variant Classification Sherloc (09022015). Collection method: clinical testing. Allele origin: germline.
Comment: This sequence change replaces isoleucine, which is neutral and non-polar, with methionine, which is neutral and non-polar, at codon 2455 of the AKAP9 protein (p.Ile2455Met). This variant is not present in population databases (gnomAD no frequency). This variant has not been reported in the literature in individuals affected with AKAP9-related conditions. Algorithms developed to predict the effect of missense changes on protein structure and function output the following: SIFT: "Not Available"; PolyPhen-2: "Benign"; Align-GVGD: "Not Available". The methionine amino acid residue is found in multiple mammalian species, which suggests that this missense change does not adversely affect protein function. In summary, the available evidence is currently insufficient to determine the role of this variant in disease. Therefore, it has been classified as a Variant of Uncertain Significance.